The following is an entry in ClinVar:

ClinVar aggregate classification (germline): Uncertain significance (1 of 4 stars; one submission).

Conditions:
Glutamate formiminotransferase deficiency. Also called: Formiminoglutamic aciduria; Arakawa syndrome 1. Identifiers: Orphanet 51208, MedGen C0268609, MONDO:0009240, OMIM 229100.

Submission:

Labcorp Genetics (formerly Invitae), Labcorp
Classification: Uncertain significance for Glutamate formiminotransferase deficiency. Last evaluated: 2025-06-29. Review status: criteria provided, single submitter. Criteria: Invitae Variant Classification Sherloc (09022015). Collection method: clinical testing. Allele origin: germline.
Comment: This sequence change replaces valine, which is neutral and non-polar, with alanine, which is neutral and non-polar, at codon 273 of the FTCD protein (p.Val273Ala). This variant is not present in population databases (gnomAD no frequency). This variant has not been reported in the literature in individuals affected with FTCD-related conditions. Invitae Evidence Modeling of protein sequence and biophysical properties (such as structural, functional, and spatial information, amino acid conservation, physicochemical variation, residue mobility, and thermodynamic stability) indicates that this missense variant is not expected to disrupt FTCD protein function with a negative predictive value of 80%. In summary, the available evidence is currently insufficient to determine the role of this variant in disease. Therefore, it has been classified as a Variant of Uncertain Significance.

NM_206965.2(FTCD):c.818T>C (p.Val273Ala)

Gene: FTCD (formimidoyltransferase cyclodeaminase; minus strand). Cytogenetic location: 21q22.3.
Variant type: single nucleotide variant.
Coding change: c.818T>C on transcript NM_206965.2 (MANE Select); coding-DNA position 818, T replaced by C.
Protein change: p.Val273Ala; replaces valine 273 with alanine.
Molecular consequence: missense variant.
Genome position (GRCh38, 1-based): chr21:46,150,207, A>G on the plus strand (T>C on the coding strand, the complement: FTCD is on the minus strand). VCF-style: chr21-46150207-A-G. GRCh37 (hg19) VCF-style: chr21-47570121-A-G.
Other names: c.818T>C, p.Val273Ala (NM_001320412.2, NM_006657.3); short protein forms V273A.
Identifiers: ClinVar variation 4769322 (VCV004769322.1).